The following is an entry in ClinVar:

ClinVar aggregate classification (germline): Conflicting classifications of pathogenicity. Review status: criteria provided, conflicting classifications (1 of 4 stars). 2 submissions from 2 submitters: Uncertain significance (1); Likely benign (1). Last evaluated 2024-10-15.

Allele frequency attached by ClinVar (database versions not stated): gnomAD 0.00001; gnomAD exomes 0.00001; TOPMed 0.00002; ExAC 0.00006.
gnomAD v4.1: 26 of 1,614,088 alleles (0.0016%); highest among the groups gnomAD compares: Admixed American, 0.01%; no homozygotes.

Submissions (2):

Labcorp Genetics (formerly Invitae), Labcorp
Classification: Likely benign. Last evaluated: 2024-10-15. Review status: criteria provided, single submitter. Criteria: Invitae Variant Classification Sherloc (09022015). Collection method: clinical testing. Allele origin: germline.

GeneDx
Classification: Uncertain significance. Last evaluated: 2024-06-02. Review status: criteria provided, single submitter. Criteria: GeneDx Variant Classification Process June 2021. Collection method: clinical testing. Allele origin: germline. Affected: yes.
Comment: In silico analysis supports that this missense variant has a deleterious effect on protein structure/function; Has not been previously published as pathogenic or benign to our knowledge

NM_001457.4(FLNB):c.1658G>A (p.Arg553His)

Gene: FLNB (filamin B; plus strand). Cytogenetic location: 3p14.3.
Variant type: single nucleotide variant.
Coding change: c.1658G>A on transcript NM_001457.4 (MANE Select); coding-DNA position 1658, G replaced by A.
Protein change: p.Arg553His; replaces arginine 553 with histidine.
Molecular consequence: missense variant.
Genome position (GRCh38, 1-based): chr3:58,105,127, G>A. VCF-style: chr3-58105127-G-A. GRCh37 (hg19) VCF-style: chr3-58090854-G-A.
Other names: c.1658G>A, p.Arg553His (NM_001164317.2, NM_001164318.2, NM_001164319.2); c.1658G>A (NM_001457.3); short protein forms R553H.
Identifiers: ClinVar variation 1985362 (VCV001985362.5), dbSNP rs765729388, ClinGen allele CA2467891.